The following is an entry in ClinVar:

NM_001958.5(EEF1A2):c.400C>A (p.Arg134=)

Genes: EEF1A2 (eukaryotic translation elongation factor 1 alpha 2; minus strand), LOC132090595 (Neanderthal introgressed variant-containing enhancer experimental_60987; plus strand). Cytogenetic location: 20q13.33.
Variant type: single nucleotide variant.
Coding change: c.400C>A on transcript NM_001958.5 (MANE Select); coding-DNA position 400, C replaced by A.
Protein change: p.Arg134=; no amino-acid change (arginine 134 retained).
Molecular consequence: synonymous variant.
Genome position (GRCh38, 1-based): chr20:63,495,026, G>T on the plus strand (C>A on the coding strand, the complement: EEF1A2 is on the minus strand). VCF-style: chr20-63495026-G-T. GRCh37 (hg19) VCF-style: chr20-62126379-G-T.
Identifiers: ClinVar variation 2571145 (VCV002571145.30), dbSNP rs1448765509, ClinGen allele CA511340212.

ClinVar aggregate classification (germline): Likely benign. Review status: criteria provided, multiple submitters, no conflicts (2 of 4 stars). 3 submissions from 3 submitters: Likely benign (3). Last evaluated 2024-09-30.

Conditions:
Developmental and epileptic encephalopathy, 33 (DEE33). Also called: Epileptic encephalopathy, early infantile, 33. Identifiers: Orphanet 442835, MedGen C4225337, MONDO:0014625, OMIM 616409.

gnomAD v4.1: 6 of 1,612,710 alleles (0.00037%); highest among the groups gnomAD compares: Non-Finnish European, 0.00042%; no homozygotes.

Submissions (3):

Women's Health and Genetics/Laboratory Corporation of America, LabCorp
Classification: Likely benign. Last evaluated: 2024-09-30. Review status: criteria provided, single submitter. Criteria: LabCorp Variant Classification Summary - May 2015. Collection method: clinical testing. Allele origin: germline.

Labcorp Genetics (formerly Invitae), Labcorp
Classification: Likely benign for Developmental and epileptic encephalopathy, 33. Last evaluated: 2024-02-12. Review status: criteria provided, single submitter. Criteria: Invitae Variant Classification Sherloc (09022015). Collection method: clinical testing. Allele origin: germline.

CeGaT Center for Human Genetics Tuebingen
Classification: Likely benign. Last evaluated: 2023-05-01. Review status: criteria provided, single submitter. Criteria: CeGaT Center For Human Genetics Tuebingen Variant Classification Criteria Version 2. Collection method: clinical testing. Allele origin: germline. Affected: yes. Observed: 1 variant allele.
Comment: EEF1A2: PM2:Supporting, BP4, BP7